The following is an entry in ClinVar:

ClinVar aggregate classification (germline): Uncertain significance (1 of 4 stars; one submission).

Conditions:
MEGF10-related myopathy (CMYO10A). Also called: Congenital myopathy 10A, severe variant. Identifiers: Orphanet 439212, MedGen C3280679, MONDO:0013731, OMIM 614399.

Submission:

Labcorp Genetics (formerly Invitae), Labcorp
Classification: Uncertain significance for MEGF10-related myopathy. Last evaluated: 2022-06-23. Review status: criteria provided, single submitter. Criteria: Invitae Variant Classification Sherloc (09022015). Collection method: clinical testing. Allele origin: germline.
Comment: In summary, the available evidence is currently insufficient to determine the role of this variant in disease. Therefore, it has been classified as a Variant of Uncertain Significance. Algorithms developed to predict the effect of missense changes on protein structure and function are either unavailable or do not agree on the potential impact of this missense change (SIFT: "Deleterious"; PolyPhen-2: "Benign"; Align-GVGD: "Class C35"). This variant has not been reported in the literature in individuals affected with MEGF10-related conditions. This variant is present in population databases (rs151266058, gnomAD 0.0009%). This sequence change replaces aspartic acid, which is acidic and polar, with glutamic acid, which is acidic and polar, at codon 511 of the MEGF10 protein (p.Asp511Glu).

NM_001256545.2(MEGF10):c.1533C>A (p.Asp511Glu)

Gene: MEGF10 (multiple EGF like domains 10; plus strand). Cytogenetic location: 5q23.2.
Variant type: single nucleotide variant.
Coding change: c.1533C>A on transcript NM_001256545.2 (MANE Select); coding-DNA position 1533, C replaced by A.
Protein change: p.Asp511Glu; replaces aspartic acid 511 with glutamic acid.
Molecular consequence: missense variant.
Genome position (GRCh38, 1-based): chr5:127,420,150, C>A. VCF-style: chr5-127420150-C-A. GRCh37 (hg19) VCF-style: chr5-126755842-C-A.
Other names: c.1533C>A, p.Asp511Glu (NM_001308119.2, NM_001308121.2, NM_032446.3); short protein forms D511E.
Identifiers: ClinVar variation 2009864 (VCV002009864.4), dbSNP rs151266058, ClinGen allele CA3391601.
Genomic context (GRCh38, chr5:127,420,150, plus strand): 5'-GGGCTTTGGCTGTAACTTAACATGCCAGTGCCTCAACGGGGGAGCCTGCAACACCCTGGA[C>A]GGGACCTGCACGTGTGCACCTGGATGGCGCGGGGAGAAATGCGAACTTCCCTGCCAGGTA-3'
Protein context (NP_001243474.1, residues 501-521): CLNGGACNTL[Asp511Glu]GTCTCAPGWR